The following is an entry in ClinVar:

ClinVar aggregate classification (germline): Uncertain significance (1 of 4 stars; one submission).

gnomAD v4.1: 10 of 1,610,180 alleles (0.00062%); highest among the groups gnomAD compares: African/African-American, 0.0013%; no homozygotes.

Submission:

Labcorp Genetics (formerly Invitae), Labcorp
Classification: Uncertain significance. Last evaluated: 2025-12-30. Review status: criteria provided, single submitter. Criteria: Invitae Variant Classification Sherloc (09022015). Collection method: clinical testing. Allele origin: germline.
Comment: This sequence change replaces glutamic acid, which is acidic and polar, with lysine, which is basic and polar, at codon 1765 of the ARID1A protein (p.Glu1765Lys). This variant is not present in population databases (gnomAD no frequency). This variant has not been reported in the literature in individuals affected with ARID1A-related conditions. ClinVar contains an entry for this variant (Variation ID: 3711223). Invitae Evidence Modeling of protein sequence and biophysical properties (such as structural, functional, and spatial information, amino acid conservation, physicochemical variation, residue mobility, and thermodynamic stability) indicates that this missense variant is not expected to disrupt ARID1A protein function with a negative predictive value of 80%. In summary, the available evidence is currently insufficient to determine the role of this variant in disease. Therefore, it has been classified as a Variant of Uncertain Significance.

NM_006015.6(ARID1A):c.5293G>A (p.Glu1765Lys)

Gene: ARID1A (AT-rich interaction domain 1A; plus strand). Cytogenetic location: 1p36.11.
Variant type: single nucleotide variant.
Coding change: c.5293G>A on transcript NM_006015.6 (MANE Select); coding-DNA position 5293, G replaced by A.
Protein change: p.Glu1765Lys; replaces glutamic acid 1765 with lysine.
Molecular consequence: missense variant.
Genome position (GRCh38, 1-based): chr1:26,779,191, G>A. VCF-style: chr1-26779191-G-A. GRCh37 (hg19) VCF-style: chr1-27105682-G-A.
Other names: c.4642G>A, p.Glu1548Lys (NM_139135.4); short protein forms E1548K, E1765K.
Identifiers: ClinVar variation 3711223 (VCV003711223.2).